The following is an entry in ClinVar:

NM_000528.4(MAN2B1):c.2864C>T (p.Thr955Met)

Gene: MAN2B1 (mannosidase alpha class 2B member 1; minus strand). Cytogenetic location: 19p13.13.
Variant type: single nucleotide variant.
Coding change: c.2864C>T on transcript NM_000528.4 (MANE Select); coding-DNA position 2864, C replaced by T.
Protein change: p.Thr955Met; replaces threonine 955 with methionine.
Molecular consequence: missense variant.
Genome position (GRCh38, 1-based): chr19:12,647,292, G>A on the plus strand (C>T on the coding strand, the complement: MAN2B1 is on the minus strand). VCF-style: chr19-12647292-G-A. GRCh37 (hg19) VCF-style: chr19-12758106-G-A.
Other names: c.2861C>T, p.Thr954Met (NM_001173498.2); short protein forms T955M, T954M.
Identifiers: ClinVar variation 1388392 (VCV001388392.3), dbSNP rs771210668, ClinGen allele CA9225893.

ClinVar aggregate classification (germline): Uncertain significance (1 of 4 stars; one submission).

Conditions:
Deficiency of alpha-mannosidase (MANSA). Also called: Alpha-Mannosidosis; Mannosidosis, alpha-, types I and II; LYSOSOMAL ALPHA-D-MANNOSIDASE DEFICIENCY. Identifiers: Orphanet 61, MedGen C0024748, MONDO:0009561, OMIM 248500.

Allele frequency attached by ClinVar (database versions not stated): TOPMed below 0.00001; gnomAD exomes 0.00002 and 0.00003; ExAC 0.00004.
gnomAD v4.1: 31 of 1,614,160 alleles (0.0019%); highest among the groups gnomAD compares: East Asian, 0.0022%; no homozygotes.

Submission:

Labcorp Genetics (formerly Invitae), Labcorp
Classification: Uncertain significance for Deficiency of alpha-mannosidase. Last evaluated: 2021-12-01. Review status: criteria provided, single submitter. Criteria: Invitae Variant Classification Sherloc (09022015). Collection method: clinical testing. Allele origin: germline.
Comment: This sequence change replaces threonine, which is neutral and polar, with methionine, which is neutral and non-polar, at codon 955 of the MAN2B1 protein (p.Thr955Met). This variant is present in population databases (rs771210668, gnomAD 0.009%). This variant has not been reported in the literature in individuals affected with MAN2B1-related conditions. Algorithms developed to predict the effect of missense changes on protein structure and function are either unavailable or do not agree on the potential impact of this missense change (SIFT: "Deleterious"; PolyPhen-2: "Possibly Damaging"; Align-GVGD: "Class C0"). In summary, the available evidence is currently insufficient to determine the role of this variant in disease. Therefore, it has been classified as a Variant of Uncertain Significance.